The following is an entry in ClinVar:

NM_024426.6(WT1):c.471C>G (p.His157Gln)

Genes: WT1 (WT1 transcription factor; minus strand), LOC107982234 (WT1/WT1-AS bi-directional promoter region; plus strand). Cytogenetic location: 11p13.
Variant type: single nucleotide variant.
Coding change: c.471C>G on transcript NM_024426.6 (MANE Select); coding-DNA position 471, C replaced by G.
Protein change: p.His157Gln; replaces histidine 157 with glutamine.
Molecular consequence: missense variant. On other transcripts: non-coding transcript variant (1).
Genome position (GRCh38, 1-based): chr11:32,434,890, G>C on the plus strand (C>G on the coding strand, the complement: WT1 is on the minus strand). VCF-style: chr11-32434890-G-C. GRCh37 (hg19) VCF-style: chr11-32456436-G-C.
Other names: c.471C>G, p.His157Gln (NM_000378.6, NM_024424.5); c.456C>G (NM_024426.4); short protein forms H157Q.
Identifiers: ClinVar variation 1389239 (VCV001389239.9), dbSNP rs753238865, ClinGen allele CA379964975.

ClinVar aggregate classification (germline): Uncertain significance. Review status: criteria provided, multiple submitters, no conflicts (2 of 4 stars). 2 submissions from 2 submitters: Uncertain significance (2). Last evaluated 2025-12-07.

Conditions:
Wilms tumor 1 (WT1). Also called: Wilms tumor, somatic. Identifiers: Orphanet 654, MedGen CN033288, MONDO:0008679, OMIM 194070.
11p partial monosomy syndrome (WAGR). Also called: WAGR Complex; WAGR Spectrum Disorder; CHROMOSOME 11p13 DELETION SYNDROME; WAGR syndrome. Identifiers: Orphanet 893, MedGen C0206115, MONDO:0008681, OMIM 194072.
Drash syndrome (DDS). Also called: NEPHROPATHY, WILMS TUMOR, AND GENITAL ANOMALIES; WILMS TUMOR AND PSEUDO- OR TRUE HERMAPHRODITISM. Identifiers: Orphanet 220, MedGen C0950121, MONDO:0008682, OMIM 194080.
Frasier syndrome. Identifiers: Orphanet 347, MedGen C0950122, MeSH D052159, MONDO:0007635, OMIM 136680.
Inborn genetic diseases. Identifiers: MedGen C0950123, MeSH D030342.

gnomAD v4.1: 1 of 1,611,928 alleles (0.000062%); highest among the groups gnomAD compares: South Asian, 0.0011%; no homozygotes.

Submissions (2):

Ambry Genetics
Classification: Uncertain significance for Inborn genetic diseases. Last evaluated: 2025-12-07. Review status: criteria provided, single submitter. Criteria: Ambry Variant Classification Scheme 2023. Collection method: clinical testing. Allele origin: germline.
Comment: The p.H152Q variant (also known as c.456C>G), located in coding exon 1 of the WT1 gene, results from a C to G substitution at nucleotide position 456. The histidine at codon 152 is replaced by glutamine, an amino acid with highly similar properties. This amino acid position is conserved. In addition, this alteration is predicted to be tolerated by in silico analysis. Based on the available evidence, the clinical significance of this variant remains unclear.

Labcorp Genetics (formerly Invitae), Labcorp
Classification: Uncertain significance for Wilms tumor 1; Drash syndrome; 11p partial monosomy syndrome; Frasier syndrome. Last evaluated: 2025-08-07. Review status: criteria provided, single submitter. Criteria: Invitae Variant Classification Sherloc (09022015). Collection method: clinical testing. Allele origin: germline.
Comment: This sequence change replaces histidine, which is basic and polar, with glutamine, which is neutral and polar, at codon 152 of the WT1 protein (p.His152Gln). This variant is not present in population databases (gnomAD no frequency). This variant has not been reported in the literature in individuals affected with WT1-related conditions. ClinVar contains an entry for this variant (Variation ID: 1389239). Invitae Evidence Modeling of protein sequence and biophysical properties (such as structural, functional, and spatial information, amino acid conservation, physicochemical variation, residue mobility, and thermodynamic stability) indicates that this missense variant is not expected to disrupt WT1 protein function with a negative predictive value of 95%. In summary, the available evidence is currently insufficient to determine the role of this variant in disease. Therefore, it has been classified as a Variant of Uncertain Significance.